The following is an entry in ClinVar:

ClinVar aggregate classification (germline): Pathogenic/Likely pathogenic. Review status: criteria provided, multiple submitters, no conflicts (2 of 4 stars). 6 submissions from 6 submitters: Pathogenic (4); Likely pathogenic (2). Last evaluated 2026-07-11.

Conditions:
Interstitial lung disease due to ABCA3 deficiency. Also called: PULMONARY ALVEOLAR PROTEINOSIS, CONGENITAL, 3. Identifiers: Orphanet 440402, MedGen C1970456, MONDO:0012582, OMIM 610921.
Hereditary pulmonary alveolar proteinosis. Also called: Pulmonary surfactant metabolism dysfunction. Identifiers: Orphanet 264675, MedGen C3711368, MONDO:0012580.
ABCA3-related disorder. Also called: ABCA3-related condition.

Allele frequency attached by ClinVar (database versions not stated): ExAC 0.00001; gnomAD exomes 0.00001 and 0.00002; gnomAD 0.00002; TOPMed 0.00003.

Submissions (6):

PreventionGenetics, part of Exact Sciences
Classification: Pathogenic for ABCA3-related condition. Last evaluated: 2026-07-11. Review status: criteria provided, single submitter. Criteria: ACMG Guidelines, 2015. Collection method: clinical testing. Allele origin: germline.
Comment: The ABCA3 c.1474dupT variant is predicted to result in a frameshift and premature protein termination (p.Tyr492Leufs*18). This variant was reported in the homozygous state in individuals with neonatal respiratory distress (Supplemental Table E1, Wambach et al. 2014. PubMed ID: 24871971). This variant is reported in 0.030% of alleles in individuals of Ashkenazi Jewish descent in gnomAD. Frameshift variants in ABCA3 are expected to be pathogenic. This variant is interpreted as pathogenic.

Labcorp Genetics (formerly Invitae), Labcorp
Classification: Pathogenic. Last evaluated: 2026-01-09. Review status: criteria provided, single submitter. Criteria: Invitae Variant Classification Sherloc (09022015). Collection method: clinical testing. Allele origin: germline.
Comment: This sequence change creates a premature translational stop signal (p.Tyr492Leufs*18) in the ABCA3 gene. It is expected to result in an absent or disrupted protein product. Loss-of-function variants in ABCA3 are known to be pathogenic (PMID: 27516224). This variant is present in population databases (rs756855585, gnomAD 0.02%). This premature translational stop signal has been observed in individual(s) with autosomal recessive ABCA3-related conditions (PMID: 24871971). This variant is also known as c.1474_1475insT. ClinVar contains an entry for this variant (Variation ID: 817265). For these reasons, this variant has been classified as Pathogenic.

Women's Health and Genetics/Laboratory Corporation of America, LabCorp
Classification: Pathogenic for Interstitial lung disease due to ABCA3 deficiency. Last evaluated: 2024-01-12. Review status: criteria provided, single submitter. Criteria: LabCorp Variant Classification Summary - May 2015. Collection method: clinical testing. Allele origin: germline.
Comment: Variant summary: ABCA3 c.1474dupT (p.Tyr492LeufsX18) results in a premature termination codon, predicted to cause a truncation of the encoded protein or absence of the protein due to nonsense mediated decay, which are commonly known mechanisms for disease. The variant allele was found at a frequency of 1.6e-05 in 251380 control chromosomes. c.1474dupT has been reported in the literature in at least one individual affected with Pulmonary surfactant metabolism dysfunction (e.g., Wambach_2014). The following publication have been ascertained in the context of this evaluation (PMID: 24871971). ClinVar contains an entry for this variant (Variation ID: 817265). Based on the evidence outlined above, the variant was classified as pathogenic.

Blueprint Genetics
Classification: Likely pathogenic for ABCA3-related disorders. Last evaluated: 2022-12-27. Review status: criteria provided, single submitter. Criteria: ACMG Guidelines, 2015. Collection method: clinical testing. Allele origin: germline. Affected: yes. Observed: 1 variant allele.

GeneDx
Classification: Likely pathogenic. Last evaluated: 2018-09-25. Review status: criteria provided, single submitter. Criteria: GeneDx Variant Classification (06012015). Collection method: clinical testing. Allele origin: germline. Affected: yes.
Comment: The c.1474dupT variant has not been published as a pathogenic variant, nor has it been reported as a benign variant to our knowledge. The variant is observed in 2/9850 (0.0203%) alleles from individuals of Ashkenazi Jewish background in large population cohorts (Lek et al., 2016). It causes a frameshift starting with codon Tyrosine 492, changes this amino acid to a Leucine residue and creates a premature Stop codon at position 18 of the new reading frame, denoted p.Tyr492LeufsX18. This variant is predicted to cause loss of normal protein function either through protein truncation or nonsense-mediated mRNA decay. In summary, we consider this variant to be likely pathogenic.

Ambry Genetics
Classification: Pathogenic for Hereditary pulmonary alveolar proteinosis. Last evaluated: 2016-03-16. Review status: criteria provided, single submitter. Criteria: Ambry Variant Classification Scheme 2023. Collection method: clinical testing. Allele origin: germline.
Comment: The c.1474dupT pathogenic mutation, located in coding exon 10 of the ABCA3 gene, results from a duplication of T at nucleotide position 1474, causing a translational frameshift with a predicted alternate stop codon. This mutation was detected in three siblings who were homozygous for this mutation and had severe lung disease (Wambach JA, Am. J. Respir. Crit. Care Med. 2014 Jun; 189(12):1538-43). In addition to the clinical data presented in the literature, since frameshifts are typically deleterious in nature, this alteration is interpreted as a disease-causing mutation (ACMG Recommendations for Standards for Interpretation and Reporting of Sequence Variations. Revision 2007. Genet Med. 2008;10:294).

Literature cited by the submitters: PubMed 27516224 (cited by Labcorp Genetics (formerly Invitae), Labcorp); PubMed 24871971 (cited by 3 submitters).

NM_001089.3(ABCA3):c.1474dup (p.Tyr492fs)

Gene: ABCA3 (ATP binding cassette subfamily A member 3; minus strand). Cytogenetic location: 16p13.3.
Variant type: Duplication.
Coding change: c.1474dup on transcript NM_001089.3 (MANE Select); coding-DNA position 1474, one base duplicated (T; older notation c.1474dupT).
Protein change: p.Tyr492fs; shifts the reading frame from tyrosine 492.
Molecular consequence: frameshift variant.
Genome position (GRCh38, 1-based): chr16:2,300,142, A duplicated on the plus strand (T on the coding strand, the reverse complement: ABCA3 is on the minus strand). VCF-style (leftmost placement, unchanged base first): chr16-2300141-T-TA. GRCh37 (hg19) VCF-style: chr16-2350142-T-TA.
Other names: c.1474dupT (NM_001089.2, NM_001089.3); short protein forms Y492fs.
Identifiers: ClinVar variation 817265 (VCV000817265.10), dbSNP rs756855585, ClinGen allele CA7841218.
Genomic context (GRCh38, chr16:2,300,141, plus strand): 5'-TTCTCGGGGTCACTGTCTTCTTCCTCCTTCCCTGCAACCGCCCTTGGCTTCCCACACCAA[T>TA]AGGAGGGCTGGGAGGGAAGCAGACAGCTGTCAGTTTGTTTTGTTTGTGACGAGCAAAGCA-3'